The following is an entry in ClinVar:

NM_001563.4(IMPG1):c.605A>G (p.Asp202Gly)

Gene: IMPG1 (interphotoreceptor matrix proteoglycan 1; minus strand). Cytogenetic location: 6q14.1.
Variant type: single nucleotide variant.
Coding change: c.605A>G on transcript NM_001563.4 (MANE Select); coding-DNA position 605, A replaced by G.
Protein change: p.Asp202Gly; replaces aspartic acid 202 with glycine.
Molecular consequence: missense variant.
Genome position (GRCh38, 1-based): chr6:76,022,177, T>C on the plus strand (A>G on the coding strand, the complement: IMPG1 is on the minus strand). VCF-style: chr6-76022177-T-C. GRCh37 (hg19) VCF-style: chr6-76731894-T-C.
Other names: c.371A>G, p.Asp124Gly (NM_001282368.2); short protein forms D202G, D124G.
Identifiers: ClinVar variation 1360362 (VCV001360362.6), dbSNP rs1270617353, ClinGen allele CA364779329.

ClinVar aggregate classification (germline): Uncertain significance (1 of 4 stars; one submission).

Allele frequency attached by ClinVar (database versions not stated): gnomAD 0.00001; TOPMed 0.00001.
gnomAD v4.1: 3 of 1,597,678 alleles (0.00019%); highest among the groups gnomAD compares: African/African-American, 0.0027%; no homozygotes.

Submission:

Labcorp Genetics (formerly Invitae), Labcorp
Classification: Uncertain significance. Last evaluated: 2022-02-08. Review status: criteria provided, single submitter. Criteria: Invitae Variant Classification Sherloc (09022015). Collection method: clinical testing. Allele origin: germline.
Comment: This variant has not been reported in the literature in individuals affected with IMPG1-related conditions. Algorithms developed to predict the effect of missense changes on protein structure and function (SIFT, PolyPhen-2, Align-GVGD) all suggest that this variant is likely to be tolerated. Algorithms developed to predict the effect of sequence changes on RNA splicing suggest that this variant may create or strengthen a splice site. In summary, the available evidence is currently insufficient to determine the role of this variant in disease. Therefore, it has been classified as a Variant of Uncertain Significance. This variant is not present in population databases (gnomAD no frequency). This sequence change replaces aspartic acid, which is acidic and polar, with glycine, which is neutral and non-polar, at codon 202 of the IMPG1 protein (p.Asp202Gly).